The following is an entry in ClinVar:

ClinVar aggregate classification (germline): Uncertain significance. Review status: criteria provided, multiple submitters, no conflicts (2 of 4 stars). 4 submissions from 4 submitters: Uncertain significance (3). 1 of the submissions does not count toward it. Last evaluated 2025-05-29.

Conditions:
TMEM67-related disorder. Also called: TMEM67-related disorders; TMEM67-related condition. Identifiers: MedGen CN239423.
Inborn genetic diseases. Identifiers: MedGen C0950123, MeSH D030342.
Meckel-Gruber syndrome. Also called: GRUBER SYNDROME; Dysencephalia splachnocystica; DYSENCEPHALIA SPLANCHNOCYSTICA. Identifiers: Orphanet 564, MedGen C0265215, MONDO:0018921.
Joubert syndrome. Also called: JOUBERT-BOLTSHAUSER SYNDROME; Familial aplasia of the vermis. Identifiers: Orphanet 475, MedGen C5979921, MONDO:0018772.

Allele frequency attached by ClinVar (database versions not stated): gnomAD exomes 0.00001 and 0.00004; ExAC 0.00002; ESP Exome Variant Server 0.00008; gnomAD 0.00009.
gnomAD v4.1: 25 of 1,614,084 alleles (0.0015%); highest among the groups gnomAD compares: Admixed American, 0.025%; no homozygotes.

Submissions (4):

GeneDx
Classification: Uncertain significance. Last evaluated: 2025-05-29. Review status: criteria provided, single submitter. Criteria: GeneDx Variant Classification Process June 2021. Collection method: clinical testing. Allele origin: germline.
Comment: In silico analysis suggests that this missense variant does not alter protein structure/function; Has not been previously published as pathogenic or benign to our knowledge

Labcorp Genetics (formerly Invitae), Labcorp
Classification: Uncertain significance for Joubert syndrome; Meckel-Gruber syndrome. Last evaluated: 2024-12-16. Review status: criteria provided, single submitter. Criteria: Invitae Variant Classification Sherloc (09022015). Collection method: clinical testing. Allele origin: germline.
Comment: This sequence change replaces leucine, which is neutral and non-polar, with phenylalanine, which is neutral and non-polar, at codon 16 of the TMEM67 protein (p.Leu16Phe). This variant is present in population databases (rs367722582, gnomAD 0.02%). This variant has not been reported in the literature in individuals affected with TMEM67-related conditions. ClinVar contains an entry for this variant (Variation ID: 1376259). Invitae Evidence Modeling of protein sequence and biophysical properties (such as structural, functional, and spatial information, amino acid conservation, physicochemical variation, residue mobility, and thermodynamic stability) indicates that this missense variant is not expected to disrupt TMEM67 protein function with a negative predictive value of 95%. In summary, the available evidence is currently insufficient to determine the role of this variant in disease. Therefore, it has been classified as a Variant of Uncertain Significance.

Ambry Genetics
Classification: Uncertain significance for Inborn genetic diseases. Last evaluated: 2023-11-13. Review status: criteria provided, single submitter. Criteria: Ambry Variant Classification Scheme 2023. Collection method: clinical testing. Allele origin: germline.

PreventionGenetics, part of Exact Sciences
Classification: Uncertain significance for TMEM67-related condition. Last evaluated: 2024-09-04. Review status: no assertion criteria provided. Collection method: clinical testing. Allele origin: germline. Not counted in ClinVar's aggregate classification.
Comment: The TMEM67 c.46C>T variant is predicted to result in the amino acid substitution p.Leu16Phe. To our knowledge, this variant has not been reported in the literature. This variant is reported in 0.017% of alleles in individuals of Latino descent in gnomAD. At this time, the clinical significance of this variant is uncertain due to the absence of conclusive functional and genetic evidence.

NM_153704.6(TMEM67):c.46C>T (p.Leu16Phe)

Gene: TMEM67 (transmembrane protein 67; plus strand). Cytogenetic location: 8q22.1.
Variant type: single nucleotide variant.
Coding change: c.46C>T on transcript NM_153704.6 (MANE Select); coding-DNA position 46, C replaced by T.
Protein change: p.Leu16Phe; replaces leucine 16 with phenylalanine.
Molecular consequence: missense variant. On other transcripts: non-coding transcript variant (1), intron variant (1).
Genome position (GRCh38, 1-based): chr8:93,754,960, C>T. VCF-style: chr8-93754960-C-T. GRCh37 (hg19) VCF-style: chr8-94767188-C-T.
Other names: c.-180+51C>T (NM_001142301.1); short protein forms L16F.
Identifiers: ClinVar variation 1376259 (VCV001376259.10), dbSNP rs367722582, ClinGen allele CA4807503.